The following is an entry in ClinVar:

ClinVar aggregate classification (germline): Uncertain significance. Review status: criteria provided, multiple submitters, no conflicts (2 of 4 stars). 2 submissions from 2 submitters: Uncertain significance (2). Last evaluated 2025-04-07.

Conditions:
Cardiovascular phenotype. Identifiers: MedGen CN230736.
Dilated cardiomyopathy 1JJ (CMD1JJ). Identifiers: Orphanet 154, MedGen C3808935, MONDO:0014095, OMIM 615235.

Allele frequency attached by ClinVar (database versions not stated): ExAC 0.00001; gnomAD 0.00001; gnomAD exomes 0.00002 and 0.00004; TOPMed 0.00002; ESP Exome Variant Server 0.00008.
gnomAD v4.1: 57 of 1,613,994 alleles (0.0035%); highest among the groups gnomAD compares: Non-Finnish European, 0.0047%; no homozygotes.

Submissions (2):

Ambry Genetics
Classification: Uncertain significance for Cardiovascular phenotype. Last evaluated: 2025-04-07. Review status: criteria provided, single submitter. Criteria: Ambry Variant Classification Scheme 2023. Collection method: clinical testing. Allele origin: germline.

Labcorp Genetics (formerly Invitae), Labcorp
Classification: Uncertain significance for Dilated cardiomyopathy 1JJ. Last evaluated: 2022-06-24. Review status: criteria provided, single submitter. Criteria: Invitae Variant Classification Sherloc (09022015). Collection method: clinical testing. Allele origin: germline.
Comment: This variant is present in population databases (rs144433625, gnomAD 0.004%). This sequence change replaces lysine, which is basic and polar, with asparagine, which is neutral and polar, at codon 849 of the LAMA4 protein (p.Lys849Asn). This variant has not been reported in the literature in individuals affected with LAMA4-related conditions. In summary, the available evidence is currently insufficient to determine the role of this variant in disease. Therefore, it has been classified as a Variant of Uncertain Significance. Algorithms developed to predict the effect of missense changes on protein structure and function (SIFT, PolyPhen-2, Align-GVGD) all suggest that this variant is likely to be tolerated.

NM_001105206.3(LAMA4):c.2568G>C (p.Lys856Asn)

Gene: LAMA4 (laminin subunit alpha 4; minus strand). Cytogenetic location: 6q21.
Variant type: single nucleotide variant.
Coding change: c.2568G>C on transcript NM_001105206.3 (MANE Select); coding-DNA position 2568, G replaced by C.
Protein change: p.Lys856Asn; replaces lysine 856 with asparagine.
Molecular consequence: missense variant.
Genome position (GRCh38, 1-based): chr6:112,142,218, C>G on the plus strand (G>C on the coding strand, the complement: LAMA4 is on the minus strand). VCF-style: chr6-112142218-C-G. GRCh37 (hg19) VCF-style: chr6-112463420-C-G.
Other names: c.2547G>C, p.Lys849Asn (NM_001105207.3, NM_002290.5); short protein forms K856N, K849N.
Identifiers: ClinVar variation 1441999 (VCV001441999.10), dbSNP rs144433625, ClinGen allele CA3965441.